The following is an entry in ClinVar:

NM_001844.5(COL2A1):c.3598-6_3599del

Gene: COL2A1 (collagen type II alpha 1 chain; minus strand). Cytogenetic location: 12q13.11.
Variant type: Deletion.
Coding change: c.3598-6_3599del on transcript NM_001844.5 (MANE Select); 6 bases into the intron before coding-DNA position 3598 through coding-DNA position 3599, 8 bases deleted (CTGCAGGG; older notation c.3598-6_3599delCTGCAGGG).
Molecular consequence: splice acceptor variant.
Genome position (GRCh38, 1-based): chr12:47,975,604-47,975,611, CCCTGCAG deleted on the plus strand (CTGCAGGG on the coding strand, the reverse complement: COL2A1 is on the minus strand); deleting any 8 consecutive bases within chr12:47,975,604-47,975,612 gives the same sequence; the c. name uses the placement nearest the transcript's 3' end. VCF-style (leftmost placement, unchanged base first): chr12-47975603-ACCCTGCAG-A. GRCh37 (hg19) VCF-style: chr12-48369386-ACCCTGCAG-A.
Other names: c.3391-6_3392del (NM_033150.3).
Identifiers: ClinVar variation 4724810 (VCV004724810.1).
Genomic context (GRCh38, chr12:47,975,603, plus strand): 5'-CATGTCGATGCCAGGGCCAGGGGGACCTGGAGGACCAGGGGGTCCAGGATTTCCAGGAGG[ACCCTGCAG>A]CAGGAAACAGAGAGATCAGCCAGGATTGTGTGAAAGTGCCCCTCCATGTCCATCCCCATT-3'

ClinVar aggregate classification (germline): Pathogenic (1 of 4 stars; one submission).

Submission:

Labcorp Genetics (formerly Invitae), Labcorp
Classification: Pathogenic. Last evaluated: 2025-08-04. Review status: criteria provided, single submitter. Criteria: Invitae Variant Classification Sherloc (09022015). Collection method: clinical testing. Allele origin: germline.
Comment: This variant results in the deletion of part of exon 51 (c.3598-6_3599del) of the COL2A1 gene. It is expected to disrupt RNA splicing. Variants that disrupt the donor or acceptor splice site typically lead to a loss of protein function (PMID: 16199547), and loss-of-function variants in COL2A1 are known to be pathogenic (PMID: 20179744). This variant is not present in population databases (gnomAD no frequency). This variant has been observed in individual(s) with Stickler syndrome (internal data). For these reasons, this variant has been classified as Pathogenic.

Literature cited by the submitters: PubMed 16199547; PubMed 20179744.